The following is an entry in ClinVar:

ClinVar aggregate classification (germline): Benign. Review status: criteria provided, multiple submitters, no conflicts (2 of 4 stars). 16 submissions from 16 submitters: Benign (12). 4 of the submissions do not count toward it. Last evaluated 2026-02-04.

Conditions:
Cardiovascular phenotype. Identifiers: MedGen CN230736.
Brugada syndrome 8 (BRGDA8). Identifiers: Orphanet 130, MedGen C2751083, MONDO:0013148, OMIM 613123.
Sick sinus syndrome 2, autosomal dominant (SSS2). Also called: SINUS BRADYCARDIA SYNDROME, FAMILIAL, AUTOSOMAL DOMINANT; SINUS NODE DISEASE, FAMILIAL, AUTOSOMAL DOMINANT; ATRIAL FIBRILLATION WITH BRADYARRHYTHMIA; SICK SINUS SYNDROME 2; SICK SINUS SYNDROME 2 WITH OR WITHOUT CARDIAC NONCOMPACTION AND/OR ASCENDING AORTA DILATION. Identifiers: Orphanet 166282, MedGen C1834144, MONDO:0008102, OMIM 163800.

Allele frequency attached by ClinVar (database versions not stated): 1000 Genomes Project 30x 0.85884; 1000 Genomes Project 0.85962; ESP Exome Variant Server 0.87519; TOPMed 0.87971; gnomAD 0.88237 and 0.88275.
gnomAD v4.1: 1,468,713 of 1,593,540 alleles (92%); highest among the groups gnomAD compares: Admixed American, 95%; 678,515 homozygotes.

Submissions (16):

Labcorp Genetics (formerly Invitae), Labcorp
Classification: Benign for Brugada syndrome 8. Last evaluated: 2026-02-04. Review status: criteria provided, single submitter. Criteria: Invitae Variant Classification Sherloc (09022015). Collection method: clinical testing. Allele origin: germline.

Molecular Diagnostic Laboratory for Inherited Cardiovascular Disease, Montreal Heart Institute
Classification: Benign. Last evaluated: 2025-04-09. Review status: criteria provided, single submitter. Criteria: ACMG Guidelines, 2015. Collection method: clinical testing. Allele origin: germline. Affected: no.

Blueprint Genetics
Classification: Benign. Last evaluated: 2024-11-27. Review status: criteria provided, single submitter. Criteria: ACMG Guidelines, 2015. Collection method: clinical testing. Allele origin: germline.

Women's Health and Genetics/Laboratory Corporation of America, LabCorp
Classification: Benign. Last evaluated: 2023-04-04. Review status: criteria provided, single submitter. Criteria: LabCorp Variant Classification Summary - May 2015. Collection method: clinical testing. Allele origin: germline.

Mayo Clinic Laboratories, Mayo Clinic
Classification: Benign. Last evaluated: 2022-04-26. Review status: criteria provided, single submitter. Criteria: ACMG Guidelines, 2015. Collection method: clinical testing. Allele origin: germline. Observed: 809 variant alleles.

Illumina Laboratory Services, Illumina
Classification: Benign for Sick sinus syndrome 2, autosomal dominant. Last evaluated: 2018-01-15. Review status: criteria provided, single submitter. Criteria: ICSL Variant Classification Criteria 13 December 2019. Collection method: clinical testing. Allele origin: germline.
Comment: This variant was observed as part of a predisposition screen in an ostensibly healthy population. A literature search was performed for the gene, cDNA change, and amino acid change (where applicable). No publications were found based on this search. Allele frequency data from public databases was too high to be consistent with this variant causing disease. Therefore, this variant is classified as benign.

Athena Diagnostics
Classification: Benign. Last evaluated: 2017-04-20. Review status: criteria provided, single submitter. Criteria: Athena Diagnostics Criteria. Collection method: clinical testing. Allele origin: germline.

Eurofins Ntd Llc (ga)
Classification: Benign. Last evaluated: 2016-01-26. Review status: criteria provided, single submitter. Criteria: EGL Classification Definitions 2015. Collection method: clinical testing. Allele origin: germline. Observed: 173 variant alleles, 37 heterozygotes, 136 homozygotes.

Ambry Genetics
Classification: Benign for Cardiovascular phenotype. Last evaluated: 2015-03-09. Review status: criteria provided, single submitter. Criteria: Ambry Variant Classification Scheme 2023. Collection method: clinical testing. Allele origin: germline.

GeneDx
Classification: Benign. Last evaluated: 2013-12-04. Review status: criteria provided, single submitter. Criteria: GeneDx Variant Classification (06012015). Collection method: clinical testing. Allele origin: germline. Affected: yes.
Comment: This variant is considered likely benign or benign based on one or more of the following criteria: it is a conservative change, it occurs at a poorly conserved position in the protein, it is predicted to be benign by multiple in silico algorithms, and/or has population frequency not consistent with disease.

Breakthrough Genomics
Classification: Benign. Review status: criteria provided, single submitter. Criteria: ACMG Guidelines, 2015. Collection method: not provided. Allele origin: germline. Inheritance: Autosomal dominant inheritance. Affected: yes.

PreventionGenetics, part of Exact Sciences
Classification: Benign. Review status: criteria provided, single submitter. Criteria: ACMG Guidelines, 2015. Collection method: clinical testing. Allele origin: germline.

Clinical Genetics, Academic Medical Center
Classification: Benign. Review status: no assertion criteria provided. Collection method: clinical testing. Allele origin: germline. Affected: yes. Study: VKGL Data-share Consensus. Not counted in ClinVar's aggregate classification.

Diagnostic Laboratory, Department of Genetics, University Medical Center Groningen
Classification: Benign. Review status: no assertion criteria provided. Collection method: clinical testing. Allele origin: germline. Affected: yes. Study: VKGL Data-share Consensus. Not counted in ClinVar's aggregate classification.

Genome Diagnostics Laboratory, University Medical Center Utrecht
Classification: Benign. Review status: no assertion criteria provided. Collection method: clinical testing. Allele origin: germline. Affected: yes. Study: VKGL Data-share Consensus. Not counted in ClinVar's aggregate classification.

Joint Genome Diagnostic Labs from Nijmegen and Maastricht, Radboudumc and MUMC+
Classification: Benign. Review status: no assertion criteria provided. Collection method: clinical testing. Allele origin: germline. Affected: yes. Study: VKGL Data-share Consensus. Not counted in ClinVar's aggregate classification.

NM_005477.3(HCN4):c.3600A>G (p.Pro1200=)

Gene: HCN4 (hyperpolarization activated cyclic nucleotide gated potassium channel 4; minus strand). Cytogenetic location: 15q24.1.
Variant type: single nucleotide variant.
Coding change: c.3600A>G on transcript NM_005477.3 (MANE Select); coding-DNA position 3600, A replaced by G.
Protein change: p.Pro1200=; no amino-acid change (proline 1200 retained).
Molecular consequence: synonymous variant.
Genome position (GRCh38, 1-based): chr15:73,322,493, T>C on the plus strand (A>G on the coding strand, the complement: HCN4 is on the minus strand). VCF-style: chr15-73322493-T-C. GRCh37 (hg19) VCF-style: chr15-73614834-T-C.
Other names: p.P1200P:CCA>CCG; p.Pro1200=.
Identifiers: ClinVar variation 95285 (VCV000095285.35), dbSNP rs529004, ClinGen allele CA148388.